The following is an entry in ClinVar:

ClinVar aggregate classification (germline): Conflicting classifications of pathogenicity. Review status: criteria provided, conflicting classifications (1 of 4 stars). 4 submissions from 4 submitters: Uncertain significance (1); Likely benign (3). Last evaluated 2024-04-15.

Conditions:
Type 2 diabetes mellitus. Also called: Type II diabetes mellitus. Identifiers: MedGen C0011860, MeSH D003924, MONDO:0005148, OMIM 125853, HP:0005978.
Nonpapillary renal cell carcinoma. Identifiers: Orphanet 422526, MedGen CN074294, MONDO:0007763, OMIM 144700.
Renal cysts and diabetes syndrome (RCAD). Also called: Familial hypoplastic, glomerulocystic kidney; MATURITY-ONSET DIABETES OF THE YOUNG, TYPE 5. Identifiers: Orphanet 93111, MedGen C0431693, MONDO:0007669, OMIM 137920.
Maturity-onset diabetes of the young (MODY). Also called: Maturity onset diabetes mellitus in young. Identifiers: Orphanet 552, MedGen C0342276, MONDO:0018911, HP:0004904.

Allele frequency attached by ClinVar (database versions not stated): gnomAD 0.00001; gnomAD exomes 0.00001 and 0.00002; TOPMed 0.00002.
gnomAD v4.1: 24 of 1,613,432 alleles (0.0015%); highest among the groups gnomAD compares: Admixed American, 0.0033%; no homozygotes.

Submissions (4):

Labcorp Genetics (formerly Invitae), Labcorp
Classification: Likely benign. Last evaluated: 2024-04-15. Review status: criteria provided, single submitter. Criteria: Invitae Variant Classification Sherloc (09022015). Collection method: clinical testing. Allele origin: germline.

Fulgent Genetics
Classification: Likely benign for Type 2 diabetes mellitus; Renal cysts and diabetes syndrome; Nonpapillary renal cell carcinoma. Last evaluated: 2024-04-08. Review status: criteria provided, single submitter. Criteria: ACMG Guidelines, 2015. Collection method: clinical testing. Allele origin: germline.

GeneDx
Classification: Uncertain significance. Last evaluated: 2019-12-17. Review status: criteria provided, single submitter. Criteria: GeneDx Variant Classification Process June 2021. Collection method: clinical testing. Allele origin: germline. Affected: yes.
Comment: In silico analysis, which includes splice predictors and evolutionary conservation, supports that this variant does not alter protein structure/function; Has not been previously published as pathogenic or benign to our knowledge

Ambry Genetics
Classification: Likely benign for Maturity-onset diabetes of the young. Last evaluated: 2017-03-01. Review status: criteria provided, single submitter. Criteria: Ambry Variant Classification Scheme 2023. Collection method: clinical testing. Allele origin: germline.

NM_000458.4(HNF1B):c.66C>A (p.Thr22=)

Gene: HNF1B (HNF1 homeobox B; minus strand). Cytogenetic location: 17q12.
Variant type: single nucleotide variant.
Coding change: c.66C>A on transcript NM_000458.4 (MANE Select); coding-DNA position 66, C replaced by A.
Protein change: p.Thr22=; no amino-acid change (threonine 22 retained).
Molecular consequence: synonymous variant.
Genome position (GRCh38, 1-based): chr17:37,744,819, G>T on the plus strand (C>A on the coding strand, the complement: HNF1B is on the minus strand). VCF-style: chr17-37744819-G-T. GRCh37 (hg19) VCF-style: chr17-36104810-G-T.
Other names: c.66C>A, p.Thr22= (NM_001165923.4, NM_001304286.2).
Identifiers: ClinVar variation 1316013 (VCV001316013.12), dbSNP rs906719754, ClinGen allele CA290293275.